The following is an entry in ClinVar:

ClinVar aggregate classification (germline): Benign/Likely benign. Review status: criteria provided, multiple submitters, no conflicts (2 of 4 stars). 4 submissions from 4 submitters: Benign (1); Likely benign (3). Last evaluated 2026-06-17.

Conditions:
Hereditary cancer-predisposing syndrome. Also called: Hereditary neoplastic syndrome; Neoplastic Syndromes, Hereditary; Hereditary Cancer Syndrome; Tumor predisposition. Identifiers: Orphanet 140162, MedGen C0027672, MeSH D009386, MONDO:0015356.
Gastrointestinal stromal tumor. Also called: Gastrointestinal stromal tumor, somatic; Gastrointestinal stroma tumor. Identifiers: Orphanet 44890, MedGen C0238198, MeSH D046152, MONDO:0011719, OMIM 606764, HP:0100723.
Polyps, multiple and recurrent inflammatory fibroid, gastrointestinal. Identifiers: MedGen C5193005, MONDO:0008285, OMIM 175510.

Allele frequency attached by ClinVar (database versions not stated): gnomAD exomes 0.00001; ExAC 0.00002; gnomAD 0.00002 and 0.00003; TOPMed 0.00003.
gnomAD v4.1: 20 of 1,525,348 alleles (0.0013%); highest among the groups gnomAD compares: African/African-American, 0.0096%; no homozygotes.

Submissions (4):

Myriad Genetics, Inc.
Classification: Benign for Polyps, multiple and recurrent inflammatory fibroid, gastrointestinal. Last evaluated: 2026-06-17. Review status: criteria provided, single submitter. Criteria: Myriad Autosomal Dominant, Autosomal Recessive and X-Linked Classification Criteria (2023). Collection method: clinical testing. Allele origin: unknown.
Comment: This variant is considered benign. This variant is a silent/synonymous amino acid change and it is not expected to impact splicing.

Labcorp Genetics (formerly Invitae), Labcorp
Classification: Likely benign for Gastrointestinal stromal tumor. Last evaluated: 2025-11-12. Review status: criteria provided, single submitter. Criteria: Invitae Variant Classification Sherloc (09022015). Collection method: clinical testing. Allele origin: germline.

CeGaT Center for Human Genetics Tuebingen
Classification: Likely benign. Last evaluated: 2025-04-01. Review status: criteria provided, single submitter. Criteria: CeGaT Center For Human Genetics Tuebingen Variant Classification Criteria Version 2. Collection method: clinical testing. Allele origin: germline. Affected: yes. Observed: 1 variant allele.
Comment: PDGFRA: BP4, BP7

Ambry Genetics
Classification: Likely benign for Hereditary cancer-predisposing syndrome. Last evaluated: 2020-01-17. Review status: criteria provided, single submitter. Criteria: Ambry Variant Classification Scheme 2023. Collection method: clinical testing. Allele origin: germline.

NM_006206.6(PDGFRA):c.2643T>C (p.Tyr881=)

Gene: PDGFRA (platelet derived growth factor receptor alpha; plus strand). Cytogenetic location: 4q12.
Variant type: single nucleotide variant.
Coding change: c.2643T>C on transcript NM_006206.6 (MANE Select); coding-DNA position 2643, T replaced by C.
Protein change: p.Tyr881=; no amino-acid change (tyrosine 881 retained).
Molecular consequence: synonymous variant.
Genome position (GRCh38, 1-based): chr4:54,287,510, T>C. VCF-style: chr4-54287510-T-C. GRCh37 (hg19) VCF-style: chr4-55153677-T-C.
Other names: c.2718T>C, p.Tyr906= (NM_001347828.2); c.2643T>C, p.Tyr881= (NM_001347829.2); c.2682T>C, p.Tyr894= (NM_001347830.2).
Identifiers: ClinVar variation 459062 (VCV000459062.21), dbSNP rs766505486, ClinGen allele CA2922914.